The following is an entry in ClinVar:

ClinVar aggregate classification (germline): Uncertain significance (1 of 4 stars; one submission).

Allele frequency attached by ClinVar (database versions not stated): TOPMed below 0.00001; ExAC 0.00001; gnomAD exomes 0.00001.

Submission:

Labcorp Genetics (formerly Invitae), Labcorp
Classification: Uncertain significance. Last evaluated: 2022-10-04. Review status: criteria provided, single submitter. Criteria: Invitae Variant Classification Sherloc (09022015). Collection method: clinical testing. Allele origin: germline.
Comment: This sequence change replaces methionine, which is neutral and non-polar, with isoleucine, which is neutral and non-polar, at codon 1505 of the TRPM1 protein (p.Met1505Ile). This variant is present in population databases (rs758922351, gnomAD 0.0009%). This variant has not been reported in the literature in individuals affected with TRPM1-related conditions. Algorithms developed to predict the effect of missense changes on protein structure and function (SIFT, PolyPhen-2, Align-GVGD) all suggest that this variant is likely to be tolerated. In summary, the available evidence is currently insufficient to determine the role of this variant in disease. Therefore, it has been classified as a Variant of Uncertain Significance.

NM_001252024.2(TRPM1):c.4581G>A (p.Met1527Ile)

Gene: TRPM1 (transient receptor potential cation channel subfamily M member 1; minus strand). Cytogenetic location: 15q13.3.
Variant type: single nucleotide variant.
Coding change: c.4581G>A on transcript NM_001252024.2 (MANE Select); coding-DNA position 4581, G replaced by A.
Protein change: p.Met1527Ile; replaces methionine 1527 with isoleucine.
Molecular consequence: missense variant.
Genome position (GRCh38, 1-based): chr15:31,002,119, C>T on the plus strand (G>A on the coding strand, the complement: TRPM1 is on the minus strand). VCF-style: chr15-31002119-C-T. GRCh37 (hg19) VCF-style: chr15-31294322-C-T.
Other names: c.4632G>A, p.Met1544Ile (NM_001252020.2); c.4515G>A, p.Met1505Ile (NM_002420.6); short protein forms M1544I, M1527I, M1505I.
Identifiers: ClinVar variation 1967331 (VCV001967331.4), dbSNP rs758922351, ClinGen allele CA7451615.